The following is an entry in ClinVar:

ClinVar aggregate classification (germline): Pathogenic (1 of 4 stars; one submission).

Conditions:
Primary ciliary dyskinesia. Also called: Ciliary dyskinesia. Identifiers: Orphanet 244, MedGen C0008780, MONDO:0016575, HP:0012265.

Submission:

Labcorp Genetics (formerly Invitae), Labcorp
Classification: Pathogenic for Primary ciliary dyskinesia. Last evaluated: 2016-10-30. Review status: criteria provided, single submitter. Criteria: Invitae Variant Classification Sherloc (09022015). Collection method: clinical testing. Allele origin: germline.
Comment: This variant is a gross deletion of the genomic region encompassing exon 6 of the DYX1C1 gene. This creates a premature translational stop signal and is expected to result in an absent or disrupted protein product. While this particular deletion has not been reported in the literature, loss-of-function variants in DYX1C1 are known to be pathogenic (PMID: 23872636). For these reasons, this variant has been classified as Pathogenic.

NC_000015.10:g.(?_55450222)_(55450367_?)del

Genes: DNAAF4 (dynein axonemal assembly factor 4; minus strand), DNAAF4-CCPG1 (DNAAF4-CCPG1 readthrough (NMD candidate); minus strand). Cytogenetic location: 15q21.3.
Variant type: Deletion.
Identifiers: ClinVar variation 417541 (VCV000417541.1).